The following is an entry in ClinVar:

ClinVar aggregate classification (germline): Conflicting classifications of pathogenicity. Review status: criteria provided, conflicting classifications (1 of 4 stars). 2 submissions from 2 submitters: Uncertain significance (1); Likely benign (1). Last evaluated 2025-01-27.

Conditions:
Inborn genetic diseases. Identifiers: MedGen C0950123, MeSH D030342.

Allele frequency attached by ClinVar (database versions not stated): TOPMed 0.00002; gnomAD 0.00003; gnomAD exomes 0.00012.
gnomAD v4.1: 171 of 1,529,856 alleles (0.011%); highest among the groups gnomAD compares: Non-Finnish European, 0.014%; no homozygotes.

Submissions (2):

Ambry Genetics
Classification: Likely benign for Inborn genetic diseases. Last evaluated: 2025-01-27. Review status: criteria provided, single submitter. Criteria: Ambry Variant Classification Scheme 2023. Collection method: clinical testing. Allele origin: germline.

Labcorp Genetics (formerly Invitae), Labcorp
Classification: Uncertain significance. Last evaluated: 2022-05-21. Review status: criteria provided, single submitter. Criteria: Invitae Variant Classification Sherloc (09022015). Collection method: clinical testing. Allele origin: germline.
Comment: This sequence change replaces proline, which is neutral and non-polar, with alanine, which is neutral and non-polar, at codon 224 of the MYO18B protein (p.Pro224Ala). This variant is present in population databases (rs534752839, gnomAD 0.007%). This variant has not been reported in the literature in individuals affected with MYO18B-related conditions. Algorithms developed to predict the effect of missense changes on protein structure and function output the following: SIFT: "Not Available"; PolyPhen-2: "Benign"; Align-GVGD: "Not Available". The alanine amino acid residue is found in multiple mammalian species, which suggests that this missense change does not adversely affect protein function. In summary, the available evidence is currently insufficient to determine the role of this variant in disease. Therefore, it has been classified as a Variant of Uncertain Significance.

NM_032608.7(MYO18B):c.670C>G (p.Pro224Ala)

Gene: MYO18B (myosin XVIIIB; plus strand). Cytogenetic location: 22q12.1.
Variant type: single nucleotide variant.
Coding change: c.670C>G on transcript NM_032608.7 (MANE Select); coding-DNA position 670, C replaced by G.
Protein change: p.Pro224Ala; replaces proline 224 with alanine.
Molecular consequence: missense variant.
Genome position (GRCh38, 1-based): chr22:25,768,586, C>G. VCF-style: chr22-25768586-C-G. GRCh37 (hg19) VCF-style: chr22-26164553-C-G.
Other names: c.670C>G, p.Pro224Ala (NM_001318245.2); c.670C>G (NM_032608.5); short protein forms P224A.
Identifiers: ClinVar variation 1500212 (VCV001500212.6), dbSNP rs534752839, ClinGen allele CA10159667.
Genomic context (GRCh38, chr22:25,768,586, plus strand): 5'-GCCAGCACCGAGATCTTGGCCCCGAAAGCTGAGAAGACCCGGACTGGGGGTCTTGGGGAC[C>G]CAGGCCAAGGAACTGTGGCACTGAAAAAAGGCGAGGAGGGTCAAAGCATAGTGGGGAAGG-3'
Protein context (NP_115997.5, residues 214-234): EKTRTGGLGD[Pro224Ala]GQGTVALKKG